The following is an entry in ClinVar:

NM_001164665.2(KIAA1549):c.3019G>A (p.Val1007Ile)

Gene: KIAA1549 (KIAA1549; minus strand). Cytogenetic location: 7q34.
Variant type: single nucleotide variant.
Coding change: c.3019G>A on transcript NM_001164665.2 (MANE Select); coding-DNA position 3019, G replaced by A.
Protein change: p.Val1007Ile; replaces valine 1007 with isoleucine.
Molecular consequence: missense variant.
Genome position (GRCh38, 1-based): chr7:138,911,272, C>T on the plus strand (G>A on the coding strand, the complement: KIAA1549 is on the minus strand). VCF-style: chr7-138911272-C-T. GRCh37 (hg19) VCF-style: chr7-138596018-C-T.
Other names: c.3019G>A, p.Val1007Ile (NM_020910.3); c.3019G>A (NM_001164665.1); short protein forms V1007I.
Identifiers: ClinVar variation 1025995 (VCV001025995.7), dbSNP rs376801932, ClinGen allele CA4506337.
Genomic context (GRCh38, chr7:138,911,272, plus strand): 5'-TCTGGTCACGGACAAGCTTACTGTTTATAAGCACATTTATGACGGATATTGCCGTGTAAA[C>T]GAAAGGACCGGATGTTACCAGAAAAGTGAAGTCAGTAAATAGTTCGTAAACCTAGGGAAA-3'
Protein context (NP_001158137.1, residues 997-1017): FTFLVTSGPF[Val1007Ile]YTAISVINVL

ClinVar aggregate classification (germline): Uncertain significance. Review status: criteria provided, multiple submitters, no conflicts (2 of 4 stars). 2 submissions from 2 submitters: Uncertain significance (2). Last evaluated 2025-04-11.

Conditions:
Inborn genetic diseases. Identifiers: MedGen C0950123, MeSH D030342.

Allele frequency attached by ClinVar (database versions not stated): ExAC 0.00001; gnomAD 0.00003 and 0.00005; TOPMed 0.00004; ESP Exome Variant Server 0.00008; gnomAD exomes 0.00002.
gnomAD v4.1: 22 of 1,603,508 alleles (0.0014%); highest among the groups gnomAD compares: Middle Eastern, 0.017%; no homozygotes.

Submissions (2):

Ambry Genetics
Classification: Uncertain significance for Inborn genetic diseases. Last evaluated: 2025-04-11. Review status: criteria provided, single submitter. Criteria: Ambry Variant Classification Scheme 2023. Collection method: clinical testing. Allele origin: germline.

Labcorp Genetics (formerly Invitae), Labcorp
Classification: Uncertain significance. Last evaluated: 2022-07-12. Review status: criteria provided, single submitter. Criteria: Invitae Variant Classification Sherloc (09022015). Collection method: clinical testing. Allele origin: germline.
Comment: In summary, the available evidence is currently insufficient to determine the role of this variant in disease. Therefore, it has been classified as a Variant of Uncertain Significance. Algorithms developed to predict the effect of missense changes on protein structure and function output the following: SIFT: "Deleterious"; PolyPhen-2: "Benign"; Align-GVGD: "Class C0". The isoleucine amino acid residue is found in multiple mammalian species, which suggests that this missense change does not adversely affect protein function. ClinVar contains an entry for this variant (Variation ID: 1025995). This variant has not been reported in the literature in individuals affected with KIAA1549-related conditions. The frequency data for this variant in the population databases is considered unreliable, as metrics indicate poor data quality at this position in the gnomAD database. This sequence change replaces valine, which is neutral and non-polar, with isoleucine, which is neutral and non-polar, at codon 1007 of the KIAA1549 protein (p.Val1007Ile).